The following is an entry in ClinVar:

NM_206933.4(USH2A):c.1724G>T (p.Cys575Phe)

Gene: USH2A (usherin; minus strand). Cytogenetic location: 1q41.
Variant type: single nucleotide variant.
Coding change: c.1724G>T on transcript NM_206933.4 (MANE Select); coding-DNA position 1724, G replaced by T.
Protein change: p.Cys575Phe; replaces cysteine 575 with phenylalanine.
Molecular consequence: missense variant.
Genome position (GRCh38, 1-based): chr1:216,292,291, C>A on the plus strand (G>T on the coding strand, the complement: USH2A is on the minus strand). VCF-style: chr1-216292291-C-A. GRCh37 (hg19) VCF-style: chr1-216465633-C-A.
Other names: c.1724G>T, p.Cys575Phe (NM_007123.6); short protein forms C575F.
Identifiers: ClinVar variation 133311 (VCV000133311.2), dbSNP rs483353054, ClinGen allele CA269915.

ClinVar aggregate classification (germline): Uncertain significance (1 of 4 stars; one submission).

Conditions:
Usher syndrome type 2A. Also called: USHER SYNDROME, TYPE IIA; RETINAL DISEASE IN USHER SYNDROME TYPE IIA, MODIFIER OF. Identifiers: Orphanet 231178, Orphanet 886, MedGen C1848634, MONDO:0010169, OMIM 276901.

Submission:

Molecular Genetics Laboratory; Baylor College of Medicine
Classification: Uncertain significance. Review status: criteria provided, single submitter. Criteria: Submitter's publication. Collection method: not provided. Allele origin: unknown.
ClinVar note: Converted during submission from unknown to Uncertain significance.